The following is an entry in ClinVar:

ClinVar aggregate classification (germline): Pathogenic (1 of 4 stars; one submission).

Conditions:
Phenylketonuria (PKU). Also called: FOLLING DISEASE; OLIGOPHRENIA PHENYLPYRUVICA; Phenylketonurias; Phenylketonuria (PKU). Identifiers: Orphanet 716, MedGen C0031485, MONDO:0009861, OMIM 261600. Disease mechanism: loss of function.

Submission:

Juno Genomics, Hangzhou Juno Genomics, Inc
Classification: Pathogenic for Phenylketonuria. Review status: criteria provided, single submitter. Criteria: ACMG Guidelines, 2015. Collection method: clinical testing. Allele origin: germline. Affected: yes.
Comment: Null variant in a gene where loss of function (LOF) is a known mechanism of disease.;Absent from controls (or at extremely low frequency if recessive) in Genome Aggregation Database, Exome Sequencing Project, 1000 Genomes Project, or Exome Aggregation Consortium.;For recessive disorders, detected in trans with a pathogenic variant.;Patient's phenotype or family history is highly specific for a disease with a single genetic etiology.

NM_000277.3(PAH):c.1247del (p.Pro416fs)

Gene: PAH (phenylalanine hydroxylase; minus strand). Cytogenetic location: 12q23.2.
Variant type: Deletion.
Coding change: c.1247del on transcript NM_000277.3 (MANE Select); coding-DNA position 1247, one base deleted (C; older notation c.1247delC).
Protein change: p.Pro416fs; shifts the reading frame from proline 416.
Molecular consequence: frameshift variant.
Genome position (GRCh38, 1-based): chr12:102,840,468, G deleted on the plus strand (C on the coding strand, the reverse complement: PAH is on the minus strand); the first of 3 consecutive G bases (chr12:102,840,468-102,840,470); deleting any one gives the same sequence. VCF-style (leftmost placement, unchanged base first): chr12-102840467-TG-T. GRCh37 (hg19) VCF-style: chr12-103234245-TG-T.
Other names: c.1247del, p.Pro416fs (NM_001354304.2); short protein forms P416fs.
Identifiers: ClinVar variation 3382860 (VCV003382860.2).
Genomic context (GRCh38, chr12:102,840,467, plus strand): 5'-GGAATCAGCCAAAATCTTAAGCTGCTGGGTATTGTCCAAGACCTCAATCCTTTGGGTGTA[TG>T]GGTCGTAGCGAACTGAGAAGGGCCGAGGTATTGTGGCAGCAAAGTTCCTAAGACCAAAAC-3'